The following is an entry in ClinVar:

ClinVar aggregate classification (germline): Uncertain significance (1 of 4 stars; one submission).

Allele frequency attached by ClinVar (database versions not stated): gnomAD 0.00001; ExAC 0.00002; gnomAD exomes 0.00002; TOPMed 0.00002.
gnomAD v4.1: 7 of 1,614,072 alleles (0.00043%); highest among the groups gnomAD compares: Admixed American, 0.01%; no homozygotes.

Submission:

Labcorp Genetics (formerly Invitae), Labcorp
Classification: Uncertain significance. Last evaluated: 2025-01-22. Review status: criteria provided, single submitter. Criteria: Invitae Variant Classification Sherloc (09022015). Collection method: clinical testing. Allele origin: germline.
Comment: This sequence change replaces isoleucine, which is neutral and non-polar, with methionine, which is neutral and non-polar, at codon 102 of the ASRGL1 protein (p.Ile102Met). This variant is present in population databases (rs756806363, gnomAD 0.01%). This variant has not been reported in the literature in individuals affected with ASRGL1-related conditions. ClinVar contains an entry for this variant (Variation ID: 1052575). An algorithm developed to predict the effect of missense changes on protein structure and function (PolyPhen-2) suggests that this variant is likely to be disruptive. In summary, the available evidence is currently insufficient to determine the role of this variant in disease. Therefore, it has been classified as a Variant of Uncertain Significance.

NM_001083926.2(ASRGL1):c.306T>G (p.Ile102Met)

Gene: ASRGL1 (asparaginase and isoaspartyl peptidase 1; plus strand). Cytogenetic location: 11q12.3.
Variant type: single nucleotide variant.
Coding change: c.306T>G on transcript NM_001083926.2 (MANE Select); coding-DNA position 306, T replaced by G.
Protein change: p.Ile102Met; replaces isoleucine 102 with methionine.
Molecular consequence: missense variant.
Genome position (GRCh38, 1-based): chr11:62,356,440, T>G. VCF-style: chr11-62356440-T-G. GRCh37 (hg19) VCF-style: chr11-62123912-T-G.
Other names: c.306T>G, p.Ile102Met (NM_025080.4); short protein forms I102M.
Identifiers: ClinVar variation 1052575 (VCV001052575.7), dbSNP rs756806363, ClinGen allele CA6043145.